The following is an entry in ClinVar:

NM_001271.4(CHD2):c.1052+5A>G

Gene: CHD2 (chromodomain helicase DNA binding protein 2; plus strand). Cytogenetic location: 15q26.1.
Variant type: single nucleotide variant.
Coding change: c.1052+5A>G on transcript NM_001271.4 (MANE Select); 5 bases into the intron after coding-DNA position 1052, A replaced by G.
Molecular consequence: intron variant.
Genome position (GRCh38, 1-based): chr15:92,943,073, A>G. VCF-style: chr15-92943073-A-G. GRCh37 (hg19) VCF-style: chr15-93486303-A-G.
Other names: c.1052+5A>G (NM_001042572.3).
Identifiers: ClinVar variation 1957713 (VCV001957713.5), dbSNP rs2053407371, ClinGen allele CA2196356971.
Genomic context (GRCh38, chr15:92,943,073, plus strand): 5'-AAGGGCCTAAAAAAACTAGAGAACTTCAAGAAAAAAGAGGACGAAATCAAACAATGGTAT[A>G]TTTTCCATCATGGATTAAAGAAATGTATTTGCAGCCTGAAAGAAGGGAAGGTTTTAAAAT-3'

ClinVar aggregate classification (germline): Uncertain significance (1 of 4 stars; one submission).

Conditions:
Developmental and epileptic encephalopathy 94 (DEE94). Also called: CHD2-Related Neurodevelopmental Disorders; Epileptic encephalopathy, childhood-onset. Identifiers: Orphanet 1942, Orphanet 2382, MedGen C3809278, MONDO:0014150, OMIM 615369.

Allele frequency attached by ClinVar (database versions not stated): gnomAD exomes below 0.00001; TOPMed below 0.00001.
gnomAD v4.1: 2 of 1,598,258 alleles (0.00013%); highest among the groups gnomAD compares: South Asian, 0.0011%; no homozygotes.

Submission:

Labcorp Genetics (formerly Invitae), Labcorp
Classification: Uncertain significance for Developmental and epileptic encephalopathy 94. Last evaluated: 2025-09-27. Review status: criteria provided, single submitter. Criteria: Invitae Variant Classification Sherloc (09022015). Collection method: clinical testing. Allele origin: germline.
Comment: This sequence change falls in intron 9 of the CHD2 gene. It does not directly change the encoded amino acid sequence of the CHD2 protein. It affects a nucleotide within the consensus splice site. This variant is not present in population databases (gnomAD no frequency). This variant has not been reported in the literature in individuals affected with CHD2-related conditions. ClinVar contains an entry for this variant (Variation ID: 1957713). Variants that disrupt the consensus splice site are a relatively common cause of aberrant splicing (PMID: 17576681, 9536098). Algorithms developed to predict the effect of sequence changes on RNA splicing suggest that this variant is not likely to affect RNA splicing. In summary, the available evidence is currently insufficient to determine the role of this variant in disease. Therefore, it has been classified as a Variant of Uncertain Significance.

Literature cited by the submitters: PubMed 17576681; PubMed 9536098.